The following is an entry in ClinVar:

NM_014141.6(CNTNAP2):c.3386A>G (p.Asp1129Gly)

Gene: CNTNAP2 (contactin associated protein 2; plus strand). Cytogenetic location: 7q36.1.
Variant type: single nucleotide variant.
Coding change: c.3386A>G on transcript NM_014141.6 (MANE Select); coding-DNA position 3386, A replaced by G.
Protein change: p.Asp1129Gly; replaces aspartic acid 1129 with glycine.
Molecular consequence: missense variant.
Genome position (GRCh38, 1-based): chr7:148,267,037, A>G. VCF-style: chr7-148267037-A-G. GRCh37 (hg19) VCF-style: chr7-147964129-A-G.
Other names: short protein forms D1129G.
Identifiers: ClinVar variation 1955138 (VCV001955138.5), dbSNP rs2536697536, ClinGen allele CA369928842.

ClinVar aggregate classification (germline): Uncertain significance (1 of 4 stars; one submission).

Conditions:
Cortical dysplasia-focal epilepsy syndrome (PTHSL1). Also called: Pitt-Hopkins-like syndrome 1. Identifiers: Orphanet 163681, Orphanet 221150, MedGen C2750246, MONDO:0012400, OMIM 610042.

Submission:

Labcorp Genetics (formerly Invitae), Labcorp
Classification: Uncertain significance for Cortical dysplasia-focal epilepsy syndrome. Last evaluated: 2022-11-01. Review status: criteria provided, single submitter. Criteria: Invitae Variant Classification Sherloc (09022015). Collection method: clinical testing. Allele origin: germline.
Comment: In summary, the available evidence is currently insufficient to determine the role of this variant in disease. Therefore, it has been classified as a Variant of Uncertain Significance. Algorithms developed to predict the effect of missense changes on protein structure and function (SIFT, PolyPhen-2, Align-GVGD) all suggest that this variant is likely to be disruptive. This sequence change replaces aspartic acid, which is acidic and polar, with glycine, which is neutral and non-polar, at codon 1129 of the CNTNAP2 protein (p.Asp1129Gly). This variant is not present in population databases (gnomAD no frequency). This variant has not been reported in the literature in individuals affected with CNTNAP2-related conditions.